The following is an entry in ClinVar:

ClinVar aggregate classification (germline): Uncertain significance (1 of 4 stars; one submission).

Allele frequency attached by ClinVar (database versions not stated): gnomAD exomes 0.00001.
gnomAD v4.1: 10 of 1,613,040 alleles (0.00062%); highest among the groups gnomAD compares: Admixed American, 0.0017%; no homozygotes.

Submission:

Labcorp Genetics (formerly Invitae), Labcorp
Classification: Uncertain significance. Last evaluated: 2024-11-04. Review status: criteria provided, single submitter. Criteria: Invitae Variant Classification Sherloc (09022015). Collection method: clinical testing. Allele origin: germline.
Comment: This sequence change replaces glutamic acid, which is acidic and polar, with aspartic acid, which is acidic and polar, at codon 586 of the SUCO protein (p.Glu586Asp). This variant is present in population databases (no rsID available, gnomAD 0.003%). This variant has not been reported in the literature in individuals affected with SUCO-related conditions. ClinVar contains an entry for this variant (Variation ID: 1517028). An algorithm developed to predict the effect of missense changes on protein structure and function (PolyPhen-2) suggests that this variant is likely to be tolerated. In summary, the available evidence is currently insufficient to determine the role of this variant in disease. Therefore, it has been classified as a Variant of Uncertain Significance.

NM_014283.5(SUCO):c.1758G>C (p.Glu586Asp)

Gene: SUCO (SUN domain containing ossification factor; plus strand). Cytogenetic location: 1q24.3.
Variant type: single nucleotide variant.
Coding change: c.1758G>C on transcript NM_014283.5 (MANE Select); coding-DNA position 1758, G replaced by C.
Protein change: p.Glu586Asp; replaces glutamic acid 586 with aspartic acid.
Molecular consequence: missense variant.
Genome position (GRCh38, 1-based): chr1:172,588,859, G>C. VCF-style: chr1-172588859-G-C. GRCh37 (hg19) VCF-style: chr1-172557999-G-C.
Other names: c.1647G>C, p.Glu549Asp (NM_001282750.2); c.69G>C, p.Glu23Asp (NM_001282751.2); c.2211G>C, p.Glu737Asp (NM_016227.4); short protein forms E737D, E586D, E23D, E549D.
Identifiers: ClinVar variation 1517028 (VCV001517028.6), dbSNP rs900492687, ClinGen allele CA343741076.